The following is an entry in ClinVar:

NM_006445.4(PRPF8):c.3376G>A (p.Val1126Ile)

Gene: PRPF8 (pre-mRNA processing factor 8; minus strand). Cytogenetic location: 17p13.3.
Variant type: single nucleotide variant.
Coding change: c.3376G>A on transcript NM_006445.4 (MANE Select); coding-DNA position 3376, G replaced by A.
Protein change: p.Val1126Ile; replaces valine 1126 with isoleucine.
Molecular consequence: missense variant.
Genome position (GRCh38, 1-based): chr17:1,673,816, C>T on the plus strand (G>A on the coding strand, the complement: PRPF8 is on the minus strand). VCF-style: chr17-1673816-C-T. GRCh37 (hg19) VCF-style: chr17-1577110-C-T.
Other names: c.3376G>A (NM_006445.3); short protein forms V1126I.
Identifiers: ClinVar variation 1913078 (VCV001913078.7), dbSNP rs764042276, ClinGen allele CA8271889.

ClinVar aggregate classification (germline): Uncertain significance. Review status: criteria provided, multiple submitters, no conflicts (2 of 4 stars). 3 submissions from 3 submitters: Uncertain significance (3). Last evaluated 2025-03-27.

Conditions:
PRPF8-related disorder. Also called: PRPF8-related condition.

Allele frequency attached by ClinVar (database versions not stated): ExAC 0.00002.
gnomAD v4.1: 2 of 1,614,074 alleles (0.00012%); highest among the groups gnomAD compares: East Asian, 0.0022%; no homozygotes.

Submissions (3):

PreventionGenetics, part of Exact Sciences
Classification: Uncertain significance for PRPF8-related condition. Last evaluated: 2025-03-27. Review status: criteria provided, single submitter. Criteria: ACMG Guidelines, 2015. Collection method: clinical testing. Allele origin: germline.
Comment: The PRPF8 c.3376G>A variant is predicted to result in the amino acid substitution p.Val1126Ile. To our knowledge, this variant has not been reported in the literature. This variant is present in 0.0054% of alleles in individuals of East Asian descent in gnomAD. At this time, the clinical significance of this variant is uncertain due to the absence of conclusive functional and genetic evidence.

Labcorp Genetics (formerly Invitae), Labcorp
Classification: Uncertain significance. Last evaluated: 2025-03-05. Review status: criteria provided, single submitter. Criteria: Invitae Variant Classification Sherloc (09022015). Collection method: clinical testing. Allele origin: germline.
Comment: This sequence change replaces valine, which is neutral and non-polar, with isoleucine, which is neutral and non-polar, at codon 1126 of the PRPF8 protein (p.Val1126Ile). This variant is present in population databases (rs764042276, gnomAD 0.006%). This missense change has been observed in individuals with inherited retinal dystrophy (internal data). ClinVar contains an entry for this variant (Variation ID: 1913078). Invitae Evidence Modeling of protein sequence and biophysical properties (such as structural, functional, and spatial information, amino acid conservation, physicochemical variation, residue mobility, and thermodynamic stability) indicates that this missense variant is not expected to disrupt PRPF8 protein function with a negative predictive value of 80%. In summary, the available evidence is currently insufficient to determine the role of this variant in disease. Therefore, it has been classified as a Variant of Uncertain Significance.

Blueprint Genetics
Classification: Uncertain significance. Last evaluated: 2024-03-26. Review status: criteria provided, single submitter. Criteria: ACMG Guidelines, 2015. Collection method: clinical testing. Allele origin: germline.